The following is an entry in ClinVar:

ClinVar aggregate classification (germline): Likely benign (1 of 4 stars; one submission).

Allele frequency attached by ClinVar (database versions not stated): gnomAD exomes 0.00019; ExAC 0.00048; 1000 Genomes Project 30x 0.00078; 1000 Genomes Project 0.00100; gnomAD 0.00154; ESP Exome Variant Server 0.00191; TOPMed 0.00193.
gnomAD v4.1: 545 of 1,608,546 alleles (0.034%); highest among the groups gnomAD compares: African/African-American, 0.62%; 3 homozygotes.

Submissions (2):

CeGaT Center for Human Genetics Tuebingen
Classification: Likely benign. Last evaluated: 2023-09-01. Review status: criteria provided, single submitter. Criteria: CeGaT Center For Human Genetics Tuebingen Variant Classification Criteria Version 2. Collection method: clinical testing. Allele origin: germline. Affected: yes. Observed: 1 variant allele.
Comment: CHERP: BP4, BP7

Dr. Peter K. Rogan Lab, Western University
No classification provided (evidence only). Condition: Papillary renal cell carcinoma type 1. Review status: no classification provided. Collection method: in vitro. Allele origin: not applicable. Functional consequence: retained intron. Not counted in ClinVar's aggregate classification.

NM_006387.6(CHERP):c.1185A>T (p.Gly395=)

Gene: CHERP (calcium homeostasis endoplasmic reticulum protein; minus strand). Cytogenetic location: 19p13.11.
Variant type: single nucleotide variant.
Coding change: c.1185A>T on transcript NM_006387.6 (MANE Select); coding-DNA position 1185, A replaced by T.
Protein change: p.Gly395=; no amino-acid change (glycine 395 retained).
Molecular consequence: synonymous variant.
Genome position (GRCh38, 1-based): chr19:16,528,200, T>A on the plus strand (A>T on the coding strand, the complement: CHERP is on the minus strand). VCF-style: chr19-16528200-T-A. GRCh37 (hg19) VCF-style: chr19-16639011-T-A.
Other names: NC_000019.9:g.16639011T>A.
Identifiers: ClinVar variation 2582969 (VCV002582969.26), dbSNP rs149859013, ClinGen allele CA9279597.